The following is an entry in ClinVar:

NM_003238.6(TGFB2):c.1060del (p.Trp354fs)

Gene: TGFB2 (transforming growth factor beta 2; plus strand). Cytogenetic location: 1q41.
Variant type: Deletion.
Coding change: c.1060del on transcript NM_003238.6 (MANE Select); coding-DNA position 1060, one base deleted (T; older notation c.1060delT).
Protein change: p.Trp354fs; shifts the reading frame from tryptophan 354.
Molecular consequence: frameshift variant. On other transcripts: non-coding transcript variant (2).
Genome position (GRCh38, 1-based): chr1:218,437,470, T deleted. VCF-style (leftmost placement, unchanged base first): chr1-218437469-AT-A. GRCh37 (hg19) VCF-style: chr1-218610811-AT-A.
Other names: c.1144del, p.Trp382fs (NM_001135599.4); short protein forms W354fs, W382fs.
Identifiers: ClinVar variation 4725549 (VCV004725549.1).

ClinVar aggregate classification (germline): Pathogenic (1 of 4 stars; one submission).

Conditions:
Loeys-Dietz syndrome 4 (LDS4). Also called: TGFB2-Related Loeys-Dietz Syndrome; ANEURYSM, AORTIC AND CEREBRAL, WITH ARTERIAL TORTUOSITY AND SKELETAL MANIFESTATIONS. Identifiers: MedGen C3553762, MONDO:0013897, OMIM 614816.

Submission:

Labcorp Genetics (formerly Invitae), Labcorp
Classification: Pathogenic for Loeys-Dietz syndrome 4. Last evaluated: 2025-08-17. Review status: criteria provided, single submitter. Criteria: Invitae Variant Classification Sherloc (09022015). Collection method: clinical testing. Allele origin: germline.
Comment: This sequence change creates a premature translational stop signal (p.Trp354Glyfs*11) in the TGFB2 gene. While this is not anticipated to result in nonsense mediated decay, it is expected to disrupt the last 61 amino acid(s) of the TGFB2 protein. This variant is not present in population databases (gnomAD no frequency). This variant has not been reported in the literature in individuals affected with TGFB2-related conditions. This variant disrupts a region of the TGFB2 protein in which other variant(s) (p.Ser361Lysfs*8) have been determined to be pathogenic (PMID: 24193348). This suggests that this is a clinically significant region of the protein, and that variants that disrupt it are likely to be disease-causing. For these reasons, this variant has been classified as Pathogenic.

Literature cited by the submitters: PubMed 24193348.